The following is an entry in ClinVar:

ClinVar aggregate classification (germline): Uncertain significance. Review status: criteria provided, multiple submitters, no conflicts (2 of 4 stars). 3 submissions from 3 submitters: Uncertain significance (3). Last evaluated 2025-02-21.

Conditions:
PHOX2B-related disorder. Also called: PHOX2B-related condition.
Haddad syndrome (OHD). Also called: Ondine-Hirschsprung disease. Identifiers: Orphanet 99803, MedGen C1859049, MONDO:0020493.
Hereditary cancer-predisposing syndrome. Also called: Neoplastic Syndromes, Hereditary; Tumor predisposition; Hereditary Cancer Syndrome; Hereditary neoplastic syndrome. Identifiers: Orphanet 140162, MedGen C0027672, MeSH D009386, MONDO:0015356.

Allele frequency attached by ClinVar (database versions not stated): gnomAD exomes below 0.00001; gnomAD 0.00001; TOPMed 0.00001.
gnomAD v4.1: 5 of 1,523,274 alleles (0.00033%); highest among the groups gnomAD compares: Non-Finnish European, 0.00044%; no homozygotes.

Submissions (3):

Ambry Genetics
Classification: Uncertain significance for Hereditary cancer-predisposing syndrome. Last evaluated: 2025-02-21. Review status: criteria provided, single submitter. Criteria: Ambry Variant Classification Scheme 2023. Collection method: clinical testing. Allele origin: germline.
Comment: The p.P269L variant (also known as c.806C>T), located in coding exon 3 of the PHOX2B gene, results from a C to T substitution at nucleotide position 806. The proline at codon 269 is replaced by leucine, an amino acid with similar properties. This amino acid position is well conserved in available vertebrate species. In addition, this alteration is predicted to be tolerated by in silico analysis. Based on the available evidence, the clinical significance of this alteration remains unclear.

Labcorp Genetics (formerly Invitae), Labcorp
Classification: Uncertain significance for Haddad syndrome. Last evaluated: 2023-08-29. Review status: criteria provided, single submitter. Criteria: Invitae Variant Classification Sherloc (09022015). Collection method: clinical testing. Allele origin: germline.
Comment: In summary, the available evidence is currently insufficient to determine the role of this variant in disease. Therefore, it has been classified as a Variant of Uncertain Significance. Experimental studies and prediction algorithms are not available or were not evaluated, and the functional significance of this variant is currently unknown. ClinVar contains an entry for this variant (Variation ID: 535778). This variant has not been reported in the literature in individuals affected with PHOX2B-related conditions. This variant is not present in population databases (gnomAD no frequency). This sequence change replaces proline, which is neutral and non-polar, with leucine, which is neutral and non-polar, at codon 269 of the PHOX2B protein (p.Pro269Leu).

PreventionGenetics, part of Exact Sciences
Classification: Uncertain significance for PHOX2B-related condition. Last evaluated: 2023-06-13. Review status: criteria provided, single submitter. Criteria: ACMG Guidelines, 2015. Collection method: clinical testing. Allele origin: germline.
Comment: The PHOX2B c.806C>T variant is predicted to result in the amino acid substitution p.Pro269Leu. To our knowledge, this variant has not been reported in the literature or in a large population database, indicating this variant is rare. It is interpreted as uncertain significance in ClinVar. At this time, the clinical significance of this variant is uncertain due to the absence of conclusive functional and genetic evidence.

NM_003924.4(PHOX2B):c.806C>T (p.Pro269Leu)

Gene: PHOX2B (paired like homeobox 2B; minus strand). Cytogenetic location: 4p13.
Variant type: single nucleotide variant.
Coding change: c.806C>T on transcript NM_003924.4 (MANE Select); coding-DNA position 806, C replaced by T.
Protein change: p.Pro269Leu; replaces proline 269 with leucine.
Molecular consequence: missense variant.
Genome position (GRCh38, 1-based): chr4:41,745,946, G>A on the plus strand (C>T on the coding strand, the complement: PHOX2B is on the minus strand). VCF-style: chr4-41745946-G-A. GRCh37 (hg19) VCF-style: chr4-41747963-G-A.
Other names: short protein forms P269L.
Identifiers: ClinVar variation 535778 (VCV000535778.15), dbSNP rs1350901284, ClinGen allele CA356737105.
Genomic context (GRCh38, chr4:41,745,946, plus strand): 5'-CCCCCAAGCGAATCCGGGATGGAGGTGATGGGGCCGGGGCCGGGAGCCCAGCCTTGTCCA[G>A]GGCCCCCAGCCGCAGCCAGGCCTCCAGCTGCCGCCGCTGCCGCTGCCGCCGCCGCCGCTG-3'
Protein context (NP_003915.2, residues 259-279): AAGGLAAAGG[Pro269Leu]GQGWAPGPGP